The following is an entry in ClinVar:

NM_000548.5(TSC2):c.3815-15G>A

Gene: TSC2 (TSC complex subunit 2; plus strand). Cytogenetic location: 16p13.3.
Variant type: single nucleotide variant.
Coding change: c.3815-15G>A on transcript NM_000548.5 (MANE Select); 15 bases into the intron before coding-DNA position 3815, G replaced by A.
Molecular consequence: intron variant.
Genome position (GRCh38, 1-based): chr16:2,082,421, G>A. VCF-style: chr16-2082421-G-A. GRCh37 (hg19) VCF-style: chr16-2132422-G-A.
Other names: c.3815-15G>A (NM_000548.4); c.3814+623G>A (NM_001114382.3); c.3686-15G>A (NM_021055.3, NM_001370405.1); c.3685+623G>A (NM_001363528.2); c.3683-15G>A (NM_001370404.1); c.3682+623G>A (NM_001077183.3); c.3574+623G>A (NM_001318827.2); c.3083-15G>A (NM_001318831.2); and 2 more.
Identifiers: ClinVar variation 50023 (VCV000050023.54), dbSNP rs45480591, ClinGen allele CA019571.

ClinVar aggregate classification (germline): Benign/Likely benign. Review status: criteria provided, multiple submitters, no conflicts (2 of 4 stars). 15 submissions from 15 submitters: Benign (9); Likely benign (5). 1 of the submissions does not count toward it. Last evaluated 2026-06-01.

Conditions:
Tuberous sclerosis syndrome (TSC). Also called: Tuberous Sclerosis Complex; Tuberous sclerosis. Identifiers: Orphanet 805, MedGen C0041341, MONDO:0001734.
Lung lymphangioleiomyomatosis. Identifiers: Orphanet 538, MedGen C0349649, MONDO:0006277.
Tuberous sclerosis 2 (TSC2). Identifiers: Orphanet 805, MedGen C1860707, MONDO:0013199, OMIM 613254.

Allele frequency attached by ClinVar (database versions not stated): 1000 Genomes Project 0.00120; ESP Exome Variant Server 0.00131; gnomAD exomes 0.00131 and 0.00205; 1000 Genomes Project 30x 0.00141; gnomAD 0.00149; TOPMed 0.00168; ExAC 0.00187.
gnomAD v4.1: 2,199 of 1,612,444 alleles (0.14%); highest among the groups gnomAD compares: Middle Eastern, 0.38%; 7 homozygotes.

Submissions (15):

CeGaT Center for Human Genetics Tuebingen
Classification: Likely benign. Last evaluated: 2026-06-01. Review status: criteria provided, single submitter. Criteria: CeGaT Center For Human Genetics Tuebingen Variant Classification Criteria Version 2. Collection method: clinical testing. Allele origin: germline. Affected: yes. Observed: 46 variant alleles.
Comment: TSC2: BS1

Labcorp Genetics (formerly Invitae), Labcorp
Classification: Benign for Tuberous sclerosis 2. Last evaluated: 2026-02-04. Review status: criteria provided, single submitter. Criteria: Invitae Variant Classification Sherloc (09022015). Collection method: clinical testing. Allele origin: germline.

Myriad Genetics, Inc.
Classification: Benign for Tuberous sclerosis 2. Last evaluated: 2025-05-30. Review status: criteria provided, single submitter. Criteria: Myriad Autosomal Dominant, Autosomal Recessive and X-Linked Classification Criteria (2023). Collection method: clinical testing. Allele origin: unknown.
Comment: This variant is considered benign. This variant is intronic and is not expected to impact mRNA splicing. This variant has been observed at a population frequency that is significantly greater than expected given the associated disease prevalence and penetrance. Homozygosity has been confirmed in one or more individuals. As homozygosity for pathogenic variants in this gene is generally assumed to result in embryonic lethality, this variant is unlikely to be pathogenic.

Blueprint Genetics
Classification: Likely benign. Last evaluated: 2024-11-22. Review status: criteria provided, single submitter. Criteria: ACMG Guidelines, 2015. Collection method: clinical testing. Allele origin: germline.

ARUP Laboratories, Molecular Genetics and Genomics, ARUP Laboratories
Classification: Benign. Last evaluated: 2024-05-01. Review status: criteria provided, single submitter. Criteria: ARUP Molecular Germline Variant Investigation Process 2024. Collection method: clinical testing. Allele origin: germline.

All of Us Research Program, National Institutes of Health
Classification: Benign for Tuberous sclerosis syndrome. Last evaluated: 2024-02-05. Review status: criteria provided, single submitter. Criteria: ACMG Guidelines, 2015. Collection method: clinical testing. Allele origin: germline. Inheritance: Autosomal dominant inheritance. Observed: 420 variant alleles, 420 heterozygotes.
Comment: This study involves interpretation of variants in research participants for the purpose of population health screening. Participant phenotype was not available at the time of variant classification. Additional details can be found in publication PMID: 35346344, PMCID: PMC8962531

Department of Pathology and Laboratory Medicine, Sinai Health System
Classification: Likely benign for Lung lymphangioleiomyomatosis; Tuberous sclerosis syndrome. Last evaluated: 2024-01-08. Review status: criteria provided, single submitter. Criteria: ACMG Guidelines, 2015. Collection method: clinical testing. Allele origin: germline. Affected: yes.

KCCC/NGS Laboratory, Kuwait Cancer Control Center
Classification: Benign for Tuberous sclerosis 2. Last evaluated: 2023-07-07. Review status: criteria provided, single submitter. Criteria: ACMG Guidelines, 2015. Collection method: clinical testing. Allele origin: germline. Affected: yes.

Color Diagnostics, LLC DBA Color Health
Classification: Benign for Tuberous sclerosis syndrome. Last evaluated: 2022-09-20. Review status: criteria provided, single submitter. Criteria: ACMG Guidelines, 2015. Collection method: clinical testing. Allele origin: germline.

Genome-Nilou Lab
Classification: Benign for Tuberous sclerosis 2. Last evaluated: 2021-11-07. Review status: criteria provided, single submitter. Criteria: ACMG Guidelines, 2015. Collection method: clinical testing. Allele origin: germline. Affected: no.

Illumina Laboratory Services, Illumina
Classification: Likely benign for Tuberous sclerosis syndrome. Last evaluated: 2018-09-07. Review status: criteria provided, single submitter. Criteria: ICSL Variant Classification Criteria 13 December 2019. Collection method: clinical testing. Allele origin: germline.
Comment: This variant was observed as part of a predisposition screen in an ostensibly healthy population. A literature search was performed for the gene, cDNA change, and amino acid change (where applicable). No publications were found based on this search. Allele frequency data from public databases allowed determination this variant is unlikely to cause disease. Therefore, this variant is classified as likely benign.

GeneDx
Classification: Benign. Last evaluated: 2013-03-15. Review status: criteria provided, single submitter. Criteria: GeneDx Variant Classification (06012015). Collection method: clinical testing. Allele origin: germline. Affected: yes.
Comment: This variant is considered likely benign or benign based on one or more of the following criteria: it is a conservative change, it occurs at a poorly conserved position in the protein, it is predicted to be benign by multiple in silico algorithms, and/or has population frequency not consistent with disease.

Breakthrough Genomics
Classification: Likely benign. Review status: criteria provided, single submitter. Criteria: ACMG Guidelines, 2015. Collection method: not provided. Allele origin: germline. Inheritance: Autosomal dominant inheritance. Affected: yes.

PreventionGenetics, part of Exact Sciences
Classification: Benign. Review status: criteria provided, single submitter. Criteria: ACMG Guidelines, 2015. Collection method: clinical testing. Allele origin: germline.

Tuberous sclerosis database (TSC2)
No classification provided. Condition: TSC. Review status: no classification provided. Criteria: Tuberous Sclerosis Database Assertion Criteria 2015. Collection method: curation. Allele origin: germline. Affected: yes. Not counted in ClinVar's aggregate classification.

Literature cited by the submitters: PubMed 29196670 (cited by Department of Pathology and Laboratory Medicine, Sinai Health System).